The following is an entry in ClinVar:

ClinVar aggregate classification (germline): Conflicting classifications of pathogenicity. Review status: criteria provided, conflicting classifications (1 of 4 stars). 5 submissions from 5 submitters: Uncertain significance (4); Likely benign (1). Last evaluated 2026-08-31.

Conditions:
PLEC-related disorder. Also called: PLEC-related disorders; PLEC-related condition.
Epidermolysis bullosa simplex 5B, with muscular dystrophy (EBS5B). Also called: Epidermolysis bullosa simplex with muscular dystrophy; EPIDERMOLYSIS BULLOSA SIMPLEX AND LIMB-GIRDLE MUSCULAR DYSTROPHY. Identifiers: Orphanet 257, MedGen C2931072, MONDO:0009181, OMIM 226670.
Epidermolysis bullosa simplex with nail dystrophy (EBS5D). Identifiers: MedGen C4225309, MONDO:0014661, OMIM 616487.
Epidermolysis bullosa simplex 5C, with pyloric atresia (EBS5C). Also called: PLEC-Related Epidermolysis Bullosa with Pyloric Atresia; Epidermolysis bullosa simplex with pyloric atresia; PLEC1-Related Epidermolysis Bullosa with Pyloric Atresia. Identifiers: Orphanet 158684, MedGen C2677349, MONDO:0012807, OMIM 612138.
Epidermolysis bullosa simplex, Ogna type (EBS5A). Also called: Pidermolysis bullosa simplex 5A, Ogna type; EPIDERMOLYSIS BULLOSA SIMPLEX 5A, OGNA TYPE. Identifiers: Orphanet 79401, MedGen C0432317, MONDO:0007555, OMIM 131950.
Autosomal recessive limb-girdle muscular dystrophy type 2Q (LGMDR17). Also called: MUSCULAR DYSTROPHY, LIMB-GIRDLE, AUTOSOMAL RECESSIVE 17. Identifiers: Orphanet 254361, MedGen C3150989, MONDO:0013390, OMIM 613723.
Inborn genetic diseases. Identifiers: MedGen C0950123, MeSH D030342.

Allele frequency attached by ClinVar (database versions not stated): gnomAD exomes 0.00002 and 0.00006; ExAC 0.00003; TOPMed 0.00005; gnomAD 0.00007; ESP Exome Variant Server 0.00008.

Submissions (5):

PreventionGenetics, part of Exact Sciences
Classification: Uncertain significance for PLEC-related condition. Last evaluated: 2026-08-31. Review status: criteria provided, single submitter. Criteria: ACMG Guidelines, 2015. Collection method: clinical testing. Allele origin: germline.
Comment: The PLEC c.8573G>A variant is predicted to result in the amino acid substitution p.Arg2858Gln. To our knowledge, this variant has not been reported in the literature. This variant is reported in 0.025% of alleles in individuals of Latino descent in gnomAD. At this time, the clinical significance of this variant is uncertain due to the absence of conclusive functional and genetic evidence.

Labcorp Genetics (formerly Invitae), Labcorp
Classification: Uncertain significance for Autosomal recessive limb-girdle muscular dystrophy type 2Q; Epidermolysis bullosa simplex, Ogna type; Epidermolysis bullosa simplex with nail dystrophy; Epidermolysis bullosa simplex 5C, with pyloric atresia; Epidermolysis bullosa simplex 5B, with muscular dystrophy. Last evaluated: 2025-12-15. Review status: criteria provided, single submitter. Criteria: Invitae Variant Classification Sherloc (09022015). Collection method: clinical testing. Allele origin: germline.
Comment: This sequence change replaces arginine, which is basic and polar, with glutamine, which is neutral and polar, at codon 2858 of the PLEC protein (p.Arg2858Gln). This variant is present in population databases (rs377604549, gnomAD 0.03%). This variant has not been reported in the literature in individuals affected with PLEC-related conditions. ClinVar contains an entry for this variant (Variation ID: 1044930). An algorithm developed to predict the effect of missense changes on protein structure and function outputs the following: PolyPhen-2: "Benign". The glutamine amino acid residue is found in multiple mammalian species, which suggests that this missense change does not adversely affect protein function. In summary, the available evidence is currently insufficient to determine the role of this variant in disease. Therefore, it has been classified as a Variant of Uncertain Significance.

Ambry Genetics
Classification: Likely benign for Inborn genetic diseases. Last evaluated: 2025-08-12. Review status: criteria provided, single submitter. Criteria: Ambry Variant Classification Scheme 2023. Collection method: clinical testing. Allele origin: germline.

Mayo Clinic Laboratories, Mayo Clinic
Classification: Uncertain significance. Last evaluated: 2024-05-16. Review status: criteria provided, single submitter. Criteria: ACMG Guidelines, 2015. Collection method: clinical testing. Allele origin: germline. Observed: 2 variant alleles.
Comment: BP4

Revvity Omics, Revvity
Classification: Uncertain significance. Last evaluated: 2023-06-12. Review status: criteria provided, single submitter. Criteria: ACMG Guidelines, 2015. Collection method: clinical testing. Allele origin: germline.

NM_201384.3(PLEC):c.8492G>A (p.Arg2831Gln)

Gene: PLEC (plectin; minus strand). Cytogenetic location: 8q24.3.
Variant type: single nucleotide variant.
Coding change: c.8492G>A on transcript NM_201384.3 (MANE Select); coding-DNA position 8492, G replaced by A.
Protein change: p.Arg2831Gln; replaces arginine 2831 with glutamine.
Molecular consequence: missense variant.
Genome position (GRCh38, 1-based): chr8:143,921,329, C>T on the plus strand (G>A on the coding strand, the complement: PLEC is on the minus strand). VCF-style: chr8-143921329-C-T. GRCh37 (hg19) VCF-style: chr8-144995497-C-T.
Other names: p.Arg2858Gln; c.8573G>A, p.Arg2858Gln (NM_000445.5); c.8450G>A, p.Arg2817Gln (NM_201378.4); c.8426G>A, p.Arg2809Gln (NM_201379.3); c.8903G>A, p.Arg2968Gln (NM_201380.4); c.8396G>A, p.Arg2799Gln (NM_201381.3); c.8492G>A, p.Arg2831Gln (NM_201382.4); c.8504G>A, p.Arg2835Gln (NM_201383.3); and 1 more; short protein forms R2831Q, R2835Q, R2858Q, R2799Q, R2817Q, R2809Q, R2968Q.
Identifiers: ClinVar variation 1044930 (VCV001044930.11), dbSNP rs377604549, ClinGen allele CA4925290.
Genomic context (GRCh38, chr8:143,921,329, plus strand): 5'-TTGGTGTCGTCGCTGGGGTCCGCCAGGACGCGGTTCATCTCCTCGTCGAAGTAGCCGCGC[C>T]GGTAGGCCACGTCCACGGGCACGCGGTGGCTGTGCACGGGGTCGATAACGCCGCCCGTGG-3'
Protein context (NP_958786.1, residues 2821-2841): SHRVPVDVAY[Arg2831Gln]RGYFDEEMNR